The following is an entry in ClinVar:

NM_000821.7(GGCX):c.2012G>A (p.Arg671His)

Gene: GGCX (gamma-glutamyl carboxylase; minus strand). Cytogenetic location: 2p11.2.
Variant type: single nucleotide variant.
Coding change: c.2012G>A on transcript NM_000821.7 (MANE Select); coding-DNA position 2012, G replaced by A.
Protein change: p.Arg671His; replaces arginine 671 with histidine.
Molecular consequence: missense variant.
Genome position (GRCh38, 1-based): chr2:85,550,627, C>T on the plus strand (G>A on the coding strand, the complement: GGCX is on the minus strand). VCF-style: chr2-85550627-C-T. GRCh37 (hg19) VCF-style: chr2-85777750-C-T.
Other names: c.1841G>A, p.Arg614His (NM_001142269.4); short protein forms R614H, R671H.
Identifiers: ClinVar variation 988860 (VCV000988860.4), dbSNP rs1350379349, ClinGen allele CA347482773.
Genomic context (GRCh38, chr2:85,550,627, plus strand): 5'-ACATAGAGCTTTCGCAACAAGAAGCGGAAGAATCGCTCATGGAAAGGAGTATTTCGCCGG[C>T]GTTCAATCTCCTGGAGCCTTTGTTGGCGTCTAAGAAAGGTCTGAACCAGAGGTGTTGGCT-3'
Protein context (NP_000812.2, residues 661-681): RRQQRLQEIE[Arg671His]RRNTPFHERF

ClinVar aggregate classification (germline): Uncertain significance. Review status: criteria provided, single submitter (1 of 4 stars). 2 submissions from 2 submitters: Uncertain significance (1). 1 of the submissions does not count toward it. Last evaluated 2022-03-11.

Conditions:
Thrombocytopenia. Identifiers: MedGen C0040034, MeSH D013921, MONDO:0002049, HP:0001873.
Abnormal bleeding. Also called: Bleeding diathesis. Identifiers: MedGen C1458140, HP:0001892.

Allele frequency attached by ClinVar (database versions not stated): gnomAD 0.00001; gnomAD exomes 0.00001 and 0.00002.
gnomAD v4.1: 22 of 1,613,882 alleles (0.0014%); highest among the groups gnomAD compares: African/African-American, 0.0067%; no homozygotes.

Submissions (2):

Labcorp Genetics (formerly Invitae), Labcorp
Classification: Uncertain significance. Last evaluated: 2022-03-11. Review status: criteria provided, single submitter. Criteria: Invitae Variant Classification Sherloc (09022015). Collection method: clinical testing. Allele origin: germline.
Comment: This sequence change replaces arginine, which is basic and polar, with histidine, which is basic and polar, at codon 671 of the GGCX protein (p.Arg671His). This variant is present in population databases (no rsID available, gnomAD 0.01%). This variant has not been reported in the literature in individuals affected with GGCX-related conditions. ClinVar contains an entry for this variant (Variation ID: 988860). Algorithms developed to predict the effect of missense changes on protein structure and function (SIFT, PolyPhen-2, Align-GVGD) all suggest that this variant is likely to be tolerated. In summary, the available evidence is currently insufficient to determine the role of this variant in disease. Therefore, it has been classified as a Variant of Uncertain Significance.

Birmingham Platelet Group; University of Birmingham
Classification: Uncertain significance for Thrombocytopenia; Abnormal bleeding. Last evaluated: 2020-05-01. Review status: no assertion criteria provided. Collection method: research. Allele origin: germline. Affected: yes. Not counted in ClinVar's aggregate classification.